The following is an entry in ClinVar:

ClinVar aggregate classification (germline): Uncertain significance (1 of 4 stars; one submission).

Conditions:
Hereditary cancer-predisposing syndrome. Also called: Neoplastic Syndromes, Hereditary; Tumor predisposition; Hereditary Cancer Syndrome; Hereditary neoplastic syndrome. Identifiers: Orphanet 140162, MedGen C0027672, MeSH D009386, MONDO:0015356.

Submission:

Ambry Genetics
Classification: Uncertain significance for Hereditary cancer-predisposing syndrome. Last evaluated: 2026-03-24. Review status: criteria provided, single submitter. Criteria: Ambry Variant Classification Scheme 2023. Collection method: clinical testing. Allele origin: germline.
Comment: The p.G65D variant (also known as c.194G>A), located in coding exon 1 of the MET gene, results from a G to A substitution at nucleotide position 194. The glycine at codon 65 is replaced by aspartic acid, an amino acid with similar properties. This amino acid position is conserved. In addition, this alteration is predicted to be deleterious by in silico analysis. Based on the available evidence, the clinical significance of this variant remains unclear.

NM_000245.4(MET):c.194G>A (p.Gly65Asp)

Gene: MET (MET proto-oncogene, receptor tyrosine kinase; plus strand). Cytogenetic location: 7q31.2.
Variant type: single nucleotide variant.
Coding change: c.194G>A on transcript NM_000245.4 (MANE Select); coding-DNA position 194, G replaced by A.
Protein change: p.Gly65Asp; replaces glycine 65 with aspartic acid.
Molecular consequence: missense variant. On other transcripts: intron variant (1).
Genome position (GRCh38, 1-based): chr7:116,699,278, G>A. VCF-style: chr7-116699278-G-A. GRCh37 (hg19) VCF-style: chr7-116339332-G-A.
Other names: c.194G>A, p.Gly65Asp (NM_001127500.3, NM_001324401.3); c.-91+26701G>A (NM_001324402.2); short protein forms G65D.
Identifiers: ClinVar variation 4859950 (VCV004859950.1).